The following is an entry in ClinVar:

ClinVar aggregate classification (germline): Likely benign. Review status: criteria provided, multiple submitters, no conflicts (2 of 4 stars). 4 submissions from 4 submitters: Likely benign (4). Last evaluated 2026-09-01.

Conditions:
Eichsfeld type congenital muscular dystrophy (CMYO3). Also called: MYOPATHY, SEPN1-RELATED; SELENON-related myopathy; Congenital myopathy 3 with rigid spine; Rigid spine muscular dystrophy 1. Identifiers: MedGen C0410180, MONDO:0100100, OMIM 602771.

Allele frequency attached by ClinVar (database versions not stated): gnomAD exomes 0.00004 and 0.00009; gnomAD 0.00005 and 0.00006; TOPMed 0.00005; ExAC 0.00008; ESP Exome Variant Server 0.00008.
gnomAD v4.1: 141 of 1,613,818 alleles (0.0087%); highest among the groups gnomAD compares: Non-Finnish European, 0.012%; no homozygotes.

Submissions (4):

CeGaT Center for Human Genetics Tuebingen
Classification: Likely benign. Last evaluated: 2026-09-01. Review status: criteria provided, single submitter. Criteria: CeGaT Center For Human Genetics Tuebingen Variant Classification Criteria Version 2. Collection method: clinical testing. Allele origin: germline. Affected: yes. Observed: 1 variant allele.
Comment: SELENON: BP4, BP7

Labcorp Genetics (formerly Invitae), Labcorp
Classification: Likely benign for Eichsfeld type congenital muscular dystrophy. Last evaluated: 2026-01-29. Review status: criteria provided, single submitter. Criteria: Invitae Variant Classification Sherloc (09022015). Collection method: clinical testing. Allele origin: germline.

Blueprint Genetics
Classification: Likely benign. Last evaluated: 2024-10-18. Review status: criteria provided, single submitter. Criteria: ACMG Guidelines, 2015. Collection method: clinical testing. Allele origin: germline.

GeneDx
Classification: Likely benign. Last evaluated: 2019-03-01. Review status: criteria provided, single submitter. Criteria: GeneDx Variant Classification Process June 2021. Collection method: clinical testing. Allele origin: germline. Affected: yes.

NM_206926.2(SELENON):c.615C>T (p.Arg205=)

Gene: SELENON (selenoprotein N; plus strand). Cytogenetic location: 1p36.11.
Variant type: single nucleotide variant.
Coding change: c.615C>T on transcript NM_206926.2 (MANE Select); coding-DNA position 615, C replaced by T.
Protein change: p.Arg205=; no amino-acid change (arginine 205 retained).
Molecular consequence: synonymous variant.
Genome position (GRCh38, 1-based): chr1:25,808,759, C>T. VCF-style: chr1-25808759-C-T. GRCh37 (hg19) VCF-style: chr1-26135250-C-T.
Other names: c.717C>T, p.Arg239= (NM_020451.3).
Identifiers: ClinVar variation 705910 (VCV000705910.16), dbSNP rs377562721, ClinGen allele CA696604.